The following is an entry in ClinVar:

ClinVar aggregate classification (germline): Conflicting classifications of pathogenicity. Review status: criteria provided, conflicting classifications (1 of 4 stars). 2 submissions from 2 submitters: Uncertain significance (1); Likely benign (1). Last evaluated 2024-12-10.

Allele frequency attached by ClinVar (database versions not stated): gnomAD exomes 0.00005; ExAC 0.00020; 1000 Genomes Project 30x 0.00031; gnomAD 0.00053.
gnomAD v4.1: 151 of 1,585,642 alleles (0.0095%); highest among the groups gnomAD compares: African/African-American, 0.12%; 12 homozygotes.

Submissions (2):

Ambry Genetics
Classification: Uncertain significance. Last evaluated: 2024-12-10. Review status: criteria provided, single submitter. Criteria: Ambry Variant Classification Scheme 2023. Collection method: clinical testing. Allele origin: germline.

CeGaT Center for Human Genetics Tuebingen
Classification: Likely benign. Last evaluated: 2024-04-01. Review status: criteria provided, single submitter. Criteria: CeGaT Center For Human Genetics Tuebingen Variant Classification Criteria Version 2. Collection method: clinical testing. Allele origin: germline. Affected: yes. Observed: 1 variant allele.
Comment: AHNAK2: BP4, BS2

NM_138420.4(AHNAK2):c.4618G>C (p.Asp1540His)

Gene: AHNAK2 (AHNAK nucleoprotein 2; minus strand). Cytogenetic location: 14q32.33.
Variant type: single nucleotide variant.
Coding change: c.4618G>C on transcript NM_138420.4 (MANE Select); coding-DNA position 4618, G replaced by C.
Protein change: p.Asp1540His; replaces aspartic acid 1540 with histidine.
Molecular consequence: missense variant.
Genome position (GRCh38, 1-based): chr14:104,950,833, C>G on the plus strand (G>C on the coding strand, the complement: AHNAK2 is on the minus strand). VCF-style: chr14-104950833-C-G. GRCh37 (hg19) VCF-style: chr14-105417170-C-G.
Other names: c.4618G>C (NM_138420.2); c.4318G>C, p.Asp1440His (NM_001350929.2); short protein forms D1440H, D1540H.
Identifiers: ClinVar variation 3234211 (VCV003234211.21), dbSNP rs776830611, ClinGen allele CA7382332.